The following is an entry in ClinVar:

NM_014023.4(WDR37):c.1367T>C (p.Met456Thr)

Gene: WDR37 (WD repeat domain 37; plus strand). Cytogenetic location: 10p15.3.
Variant type: single nucleotide variant.
Coding change: c.1367T>C on transcript NM_014023.4 (MANE Select); coding-DNA position 1367, T replaced by C.
Protein change: p.Met456Thr; replaces methionine 456 with threonine.
Molecular consequence: missense variant.
Genome position (GRCh38, 1-based): chr10:1,129,226, T>C. VCF-style: chr10-1129226-T-C. GRCh37 (hg19) VCF-style: chr10-1175166-T-C.
Other names: short protein forms M456T.
Identifiers: ClinVar variation 2428810 (VCV002428810.3), dbSNP rs1835902205, ClinGen allele CA375858540.
Genomic context (GRCh38, chr10:1,129,226, plus strand): 5'-ACTTTCGGGAATAATGCACTGATTTTGGTTTGTTTGATCATCACTAGGGCCACAGGAGAA[T>C]GGTATGCTGCTCGGCATGGAGTGAAGACCACCCCGTGTGCAATCTGTTCACCTGTGGGTT-3'
Protein context (NP_054742.2, residues 446-466): PRSSRQGHRR[Met456Thr]VCCSAWSEDH

ClinVar aggregate classification (germline): Uncertain significance (1 of 4 stars; one submission).

Allele frequency attached by ClinVar (database versions not stated): TOPMed below 0.00001.

Submission:

GeneDx
Classification: Uncertain significance. Last evaluated: 2022-08-01. Review status: criteria provided, single submitter. Criteria: GeneDx Variant Classification Process June 2021. Collection method: clinical testing. Allele origin: germline. Affected: yes.
Comment: Not observed at significant frequency in large population cohorts (gnomAD); In silico analysis supports that this missense variant has a deleterious effect on protein structure/function; Has not been previously published as pathogenic or benign to our knowledge